The following is an entry in ClinVar:

NM_001080414.4(CCDC88C):c.3842dup (p.Leu1282fs)

Gene: CCDC88C (coiled-coil and HOOK domain protein 88C; minus strand). Cytogenetic location: 14q32.11.
Variant type: Duplication.
Coding change: c.3842dup on transcript NM_001080414.4 (MANE Select); coding-DNA position 3842, one base duplicated (A; older notation c.3842dupA).
Protein change: p.Leu1282fs; shifts the reading frame from leucine 1282.
Molecular consequence: frameshift variant.
Genome position (GRCh38, 1-based): chr14:91,297,429, T duplicated on the plus strand (A on the coding strand, the reverse complement: CCDC88C is on the minus strand). VCF-style (leftmost placement, unchanged base first): chr14-91297428-C-CT. GRCh37 (hg19) VCF-style: chr14-91763772-C-CT.
Other names: short protein forms L1282fs.
Identifiers: ClinVar variation 2735465 (VCV002735465.3), dbSNP rs2544325597, ClinGen allele CA2697554120.

ClinVar aggregate classification (germline): Pathogenic (1 of 4 stars; one submission).

Submission:

Labcorp Genetics (formerly Invitae), Labcorp
Classification: Pathogenic. Last evaluated: 2023-07-13. Review status: criteria provided, single submitter. Criteria: Invitae Variant Classification Sherloc (09022015). Collection method: clinical testing. Allele origin: germline.
Comment: For these reasons, this variant has been classified as Pathogenic. This variant has not been reported in the literature in individuals affected with CCDC88C-related conditions. This variant is not present in population databases (gnomAD no frequency). This sequence change creates a premature translational stop signal (p.Leu1282Alafs*41) in the CCDC88C gene. It is expected to result in an absent or disrupted protein product. Loss-of-function variants in CCDC88C are known to be pathogenic (PMID: 23042809, 29225145).

Literature cited by the submitters: PubMed 23042809; PubMed 29225145.